The following is an entry in ClinVar:

NM_003482.4(KMT2D):c.4342T>A (p.Cys1448Ser)

Gene: KMT2D (lysine methyltransferase 2D; minus strand). Cytogenetic location: 12q13.12.
Variant type: single nucleotide variant.
Coding change: c.4342T>A on transcript NM_003482.4 (MANE Select); coding-DNA position 4342, T replaced by A.
Protein change: p.Cys1448Ser; replaces cysteine 1448 with serine.
Molecular consequence: missense variant.
Genome position (GRCh38, 1-based): chr12:49,046,685, A>T on the plus strand (T>A on the coding strand, the complement: KMT2D is on the minus strand). VCF-style: chr12-49046685-A-T. GRCh37 (hg19) VCF-style: chr12-49440468-A-T.
Other names: short protein forms C1448S.
Identifiers: ClinVar variation 393170 (VCV000393170.2), dbSNP rs398123746, ClinGen allele CA16606633.
Genomic context (GRCh38, chr12:49,046,685, plus strand): 5'-CGCCCTTGGGGACGGTGAGCAGTGGGGGGTCCAGGCAGTATGTGTGGTAGCTAATATCAC[A>T]GTCATCACAGAGCAGCAGGCGTGAGGGGTCGGAGGCCTGGCCACACACCTCACACACAAT-3'
Protein context (NP_003473.3, residues 1438-1458): DPSRLLLCDD[Cys1448Ser]DISYHTYCLD

ClinVar aggregate classification (germline): Uncertain significance (1 of 4 stars; one submission).

Submission:

GeneDx
Classification: Uncertain significance. Last evaluated: 2017-01-24. Review status: criteria provided, single submitter. Criteria: GeneDx Variant Classification (06012015). Collection method: clinical testing. Allele origin: germline. Affected: yes.
Comment: The C1448S variant in the KMT2D gene has not been reported previously as a pathogenic variant, nor as a benign variant, to our knowledge. The C1448S variant was not observed in approximately 6,300 individuals of European and African American ancestry in the NHLBI Exome Sequencing Project, indicating it is not a common benign variant in these populations. The C1448S variant is a non-conservative amino acid substitution, which is likely to impact secondary protein structure as these residues differ in polarity, charge, size and/or other properties. This substitution occurs at a position that is conserved across species, and in silico analysis predicts this variant is probably damaging to the protein structure/function. We interpret C1448S as a variant of uncertain significance.